The following is an entry in ClinVar:

ClinVar aggregate classification (germline): Uncertain significance. Review status: criteria provided, multiple submitters, no conflicts (2 of 4 stars). 2 submissions from 2 submitters: Uncertain significance (2). Last evaluated 2024-01-24.

Allele frequency attached by ClinVar (database versions not stated): gnomAD exomes below 0.00001; gnomAD 0.00001.
gnomAD v4.1: 2 of 1,613,340 alleles (0.00012%); highest among the groups gnomAD compares: Non-Finnish European, 0.00017%; no homozygotes.

Submissions (2):

Labcorp Genetics (formerly Invitae), Labcorp
Classification: Uncertain significance. Last evaluated: 2024-01-24. Review status: criteria provided, single submitter. Criteria: Invitae Variant Classification Sherloc (09022015). Collection method: clinical testing. Allele origin: germline.
Comment: This sequence change replaces aspartic acid, which is acidic and polar, with glycine, which is neutral and non-polar, at codon 532 of the KCNQ5 protein (p.Asp532Gly). This variant is not present in population databases (gnomAD no frequency). This variant has not been reported in the literature in individuals affected with KCNQ5-related conditions. Advanced modeling of protein sequence and biophysical properties (such as structural, functional, and spatial information, amino acid conservation, physicochemical variation, residue mobility, and thermodynamic stability) performed at Invitae indicates that this missense variant is not expected to disrupt KCNQ5 protein function with a negative predictive value of 80%. In summary, the available evidence is currently insufficient to determine the role of this variant in disease. Therefore, it has been classified as a Variant of Uncertain Significance.

Blueprint Genetics
Classification: Uncertain significance. Last evaluated: 2019-09-26. Review status: criteria provided, single submitter. Criteria: ACMG Guidelines, 2015. Collection method: clinical testing. Allele origin: germline.

NM_019842.4(KCNQ5):c.1538A>G (p.Asp513Gly)

Gene: KCNQ5 (potassium voltage-gated channel subfamily Q member 5; plus strand). Cytogenetic location: 6q13.
Variant type: single nucleotide variant.
Coding change: c.1538A>G on transcript NM_019842.4 (MANE Select); coding-DNA position 1538, A replaced by G.
Protein change: p.Asp513Gly; replaces aspartic acid 513 with glycine.
Molecular consequence: missense variant. On other transcripts: intron variant (1).
Genome position (GRCh38, 1-based): chr6:73,169,815, A>G. VCF-style: chr6-73169815-A-G. GRCh37 (hg19) VCF-style: chr6-73879538-A-G.
Other names: c.1511A>G, p.Asp504Gly (NM_001160130.2); c.1568A>G, p.Asp523Gly (NM_001160132.2); c.1595A>G, p.Asp532Gly (NM_001160133.2); c.1248-20758A>G (NM_001160134.2); short protein forms D523G, D504G, D513G, D532G.
Identifiers: ClinVar variation 2876272 (VCV002876272.4), dbSNP rs1777939462, ClinGen allele CA364691421.
Genomic context (GRCh38, chr6:73,169,815, plus strand): 5'-CCCTTGGCACTGATGATGTATATGATGAAAAAGGATGCCAGTGTGATGTATCAGTGGAAG[A>G]CCTCACCCCACCACTTAAAACTGTCATTCGAGCTATCAGGTTGGTGAAAATCTTGAACAA-3'
Protein context (NP_062816.2, residues 503-523): KGCQCDVSVE[Asp513Gly]LTPPLKTVIR